The following is an entry in ClinVar:

ClinVar aggregate classification (germline): Uncertain significance. Review status: criteria provided, multiple submitters, no conflicts (2 of 4 stars). 5 submissions from 5 submitters: Uncertain significance (4). 1 of the submissions does not count toward it. Last evaluated 2026-01-12.

Conditions:
Inborn genetic diseases. Identifiers: MedGen C0950123, MeSH D030342.
VPS13B-related disorder. Also called: VPS13B-related condition.
Cohen syndrome (COH1). Also called: PEPPER SYNDROME; Cutis verticis gyrata, retinitis pigmentosa, and sensorineural deafness. Identifiers: Orphanet 193, MedGen C0265223, MONDO:0008999, OMIM 216550.

Allele frequency attached by ClinVar (database versions not stated): ExAC 0.00001; gnomAD 0.00001; TOPMed 0.00003.
gnomAD v4.1: 13 of 1,613,766 alleles (0.00081%); highest among the groups gnomAD compares: African/African-American, 0.0013%; no homozygotes.

Submissions (5):

PreventionGenetics, part of Exact Sciences
Classification: Uncertain significance for VPS13B-related condition. Last evaluated: 2026-01-12. Review status: criteria provided, single submitter. Criteria: ACMG Guidelines, 2015. Collection method: clinical testing. Allele origin: germline.
Comment: The VPS13B c.5130C>G variant is predicted to result in the amino acid substitution p.Asp1710Glu. To our knowledge, this variant has not been reported in the literature. This variant is reported in 0.0023% of alleles in individuals of European (Non-Finnish) descent in gnomAD. At this time, the clinical significance of this variant is uncertain due to the absence of conclusive functional and genetic evidence.

Ambry Genetics
Classification: Uncertain significance for Inborn genetic diseases. Last evaluated: 2024-09-30. Review status: criteria provided, single submitter. Criteria: Ambry Variant Classification Scheme 2023. Collection method: clinical testing. Allele origin: germline.

Labcorp Genetics (formerly Invitae), Labcorp
Classification: Uncertain significance for Cohen syndrome. Last evaluated: 2024-02-24. Review status: criteria provided, single submitter. Criteria: Invitae Variant Classification Sherloc (09022015). Collection method: clinical testing. Allele origin: germline.
Comment: This sequence change replaces aspartic acid, which is acidic and polar, with glutamic acid, which is acidic and polar, at codon 1735 of the VPS13B protein (p.Asp1735Glu). This variant is present in population databases (rs572732952, gnomAD 0.002%). This variant has not been reported in the literature in individuals affected with VPS13B-related conditions. ClinVar contains an entry for this variant (Variation ID: 966137). Advanced modeling of protein sequence and biophysical properties (such as structural, functional, and spatial information, amino acid conservation, physicochemical variation, residue mobility, and thermodynamic stability) performed at Invitae indicates that this missense variant is not expected to disrupt VPS13B protein function with a negative predictive value of 80%. In summary, the available evidence is currently insufficient to determine the role of this variant in disease. Therefore, it has been classified as a Variant of Uncertain Significance.

Mayo Clinic Laboratories, Mayo Clinic
Classification: Uncertain significance. Last evaluated: 2021-05-25. Review status: criteria provided, single submitter. Criteria: ACMG Guidelines, 2015. Collection method: clinical testing. Allele origin: germline.

Natera, Inc.
Classification: Uncertain significance for Cohen syndrome. Last evaluated: 2020-01-24. Review status: no assertion criteria provided. Collection method: clinical testing. Allele origin: germline. Not counted in ClinVar's aggregate classification.

NM_152564.5(VPS13B):c.5130C>G (p.Asp1710Glu)

Gene: VPS13B (vacuolar protein sorting 13 homolog B; plus strand). Cytogenetic location: 8q22.2.
Variant type: single nucleotide variant.
Coding change: c.5130C>G on transcript NM_152564.5 (MANE Select); coding-DNA position 5130, C replaced by G.
Protein change: p.Asp1710Glu; replaces aspartic acid 1710 with glutamic acid.
Molecular consequence: missense variant.
Genome position (GRCh38, 1-based): chr8:99,577,543, C>G. VCF-style: chr8-99577543-C-G. GRCh37 (hg19) VCF-style: chr8-100589771-C-G.
Other names: p.Asp1735Glu; c.5205C>G (NM_017890.3); c.5205C>G, p.Asp1735Glu (NM_017890.5); c.5130C>G (NM_152564.4); short protein forms D1710E, D1735E.
Identifiers: ClinVar variation 966137 (VCV000966137.14), dbSNP rs572732952, ClinGen allele CA4823756.